The following is an entry in ClinVar:

ClinVar aggregate classification (germline): Uncertain significance (1 of 4 stars; one submission).

Conditions:
Cardiovascular phenotype. Identifiers: MedGen CN230736.

Submission:

Ambry Genetics
Classification: Uncertain significance for Cardiovascular phenotype. Last evaluated: 2024-06-09. Review status: criteria provided, single submitter. Criteria: Ambry Variant Classification Scheme 2023. Collection method: clinical testing. Allele origin: germline.
Comment: The p.I490M variant (also known as c.1470C>G), located in coding exon 1 of the DOLK gene, results from a C to G substitution at nucleotide position 1470. The isoleucine at codon 490 is replaced by methionine, an amino acid with highly similar properties. This amino acid position is conserved. In addition, this alteration is predicted to be tolerated by in silico analysis. Based on the available evidence, the clinical significance of this variant remains unclear.

NM_014908.4(DOLK):c.1470C>G (p.Ile490Met)

Gene: DOLK (dolichol kinase; minus strand). Cytogenetic location: 9q34.11.
Variant type: single nucleotide variant.
Coding change: c.1470C>G on transcript NM_014908.4 (MANE Select); coding-DNA position 1470, C replaced by G.
Protein change: p.Ile490Met; replaces isoleucine 490 with methionine.
Molecular consequence: missense variant.
Genome position (GRCh38, 1-based): chr9:128,945,834, G>C on the plus strand (C>G on the coding strand, the complement: DOLK is on the minus strand). VCF-style: chr9-128945834-G-C. GRCh37 (hg19) VCF-style: chr9-131708113-G-C.
Other names: short protein forms I490M.
Identifiers: ClinVar variation 3273486 (VCV003273486.1).